The following is an entry in ClinVar:

ClinVar aggregate classification (germline): Pathogenic (1 of 4 stars; one submission).

Conditions:
Tuberous sclerosis 2 (TSC2). Identifiers: Orphanet 805, MedGen C1860707, MONDO:0013199, OMIM 613254.

Submission:

Labcorp Genetics (formerly Invitae), Labcorp
Classification: Pathogenic for Tuberous sclerosis 2. Last evaluated: 2023-11-17. Review status: criteria provided, single submitter. Criteria: Invitae Variant Classification Sherloc (09022015). Collection method: clinical testing. Allele origin: germline.
Comment: This sequence change creates a premature translational stop signal (p.Val638Profs*56) in the TSC2 gene. It is expected to result in an absent or disrupted protein product. Loss-of-function variants in TSC2 are known to be pathogenic (PMID: 10205261, 17304050). This variant is not present in population databases (gnomAD no frequency). This variant has not been reported in the literature in individuals affected with TSC2-related conditions. For these reasons, this variant has been classified as Pathogenic.

Literature cited by the submitters: PubMed 10205261; PubMed 17304050.

NM_000548.5(TSC2):c.1912_1924del (p.Val638fs)

Gene: TSC2 (TSC complex subunit 2; plus strand). Cytogenetic location: 16p13.3.
Variant type: Deletion.
Coding change: c.1912_1924del on transcript NM_000548.5 (MANE Select); coding-DNA positions 1912 to 1924, 13 bases deleted (GTGCGGTTCAGCC).
Protein change: p.Val638fs; shifts the reading frame from valine 638.
Molecular consequence: frameshift variant. On other transcripts: non-coding transcript variant (5).
Genome position (GRCh38, 1-based): chr16:2,071,582-2,071,594, GTGCGGTTCAGCC deleted; deleting any 13 consecutive bases within chr16:2,071,581-2,071,594 gives the same sequence; the c. name uses the placement nearest the transcript's 3' end. VCF-style (leftmost placement, unchanged base first): chr16-2071580-TCGTGCGGTTCAGC-T. GRCh37 (hg19) VCF-style: chr16-2121581-TCGTGCGGTTCAGC-T.
Other names: c.1912_1924del, p.Val638fs (NM_001406665.1, NM_021055.3, NM_001363528.2 and 6 more transcripts); c.2002_2014del, p.Val668fs (NM_001406667.1, NM_001406668.1); c.1801_1813del, p.Val601fs (NM_001406670.1, NM_001406678.1, NM_001318827.2); c.1900_1912del, p.Val634fs (NM_001406671.1, NM_001406673.1); c.1765_1777del, p.Val589fs (NM_001406675.1, NM_001406676.1, NM_001406679.1 and 1 more transcripts); c.1855_1867del, p.Val619fs (NM_001406677.1); c.1312_1324del, p.Val438fs (NM_001406680.1, NM_001406682.1, NM_001406683.1 and 6 more transcripts); c.1450_1462del, p.Val484fs (NM_001406681.1); and 3 more; short protein forms V104fs, V438fs, V484fs, V589fs, V619fs, V638fs, V634fs, V668fs.
Identifiers: ClinVar variation 2696462 (VCV002696462.3), dbSNP rs2543678039, ClinGen allele CA2697549564.